The following is an entry in ClinVar:

ClinVar aggregate classification (germline): Pathogenic/Likely pathogenic. Review status: criteria provided, multiple submitters, no conflicts (2 of 4 stars). 2 submissions from 2 submitters: Pathogenic (1); Likely pathogenic (1). Last evaluated 2025-10-02.

Conditions:
Multiple congenital anomalies-hypotonia-seizures syndrome 1 (MCAHS1). Also called: GLYCOSYLPHOSPHATIDYLINOSITOL BIOSYNTHESIS DEFECT 3; PIGN-CDG; Congenital disorder of glycosylation due to PIGN deficiency. Identifiers: Orphanet 280633, MedGen C3279775, MONDO:0013563, OMIM 614080.

gnomAD v4.1: 17 of 1,612,938 alleles (0.0011%); highest among the groups gnomAD compares: South Asian, 0.0077%; no homozygotes.

Submissions (2):

Labcorp Genetics (formerly Invitae), Labcorp
Classification: Pathogenic for Multiple congenital anomalies-hypotonia-seizures syndrome 1. Last evaluated: 2025-10-02. Review status: criteria provided, single submitter. Criteria: Invitae Variant Classification Sherloc (09022015). Collection method: clinical testing. Allele origin: germline.
Comment: This sequence change creates a premature translational stop signal (p.Arg709*) in the PIGN gene. It is expected to result in an absent or disrupted protein product. Loss-of-function variants in PIGN are known to be pathogenic (PMID: 24253414, 27038415). This variant is present in population databases (no rsID available, gnomAD 0.003%). This premature translational stop signal has been observed in individual(s) with PGN-related conditions (PMID: 26633542). ClinVar contains an entry for this variant (Variation ID: 3583386). Algorithms developed to predict the effect of sequence changes on RNA splicing suggest that this variant may disrupt the consensus splice site. For these reasons, this variant has been classified as Pathogenic.

Fulgent Genetics
Classification: Likely pathogenic for Multiple congenital anomalies-hypotonia-seizures syndrome 1. Last evaluated: 2024-03-19. Review status: criteria provided, single submitter. Criteria: ACMG Guidelines, 2015. Collection method: clinical testing. Allele origin: germline.

Literature cited by the submitters: PubMed 24253414 (cited by Labcorp Genetics (formerly Invitae), Labcorp); PubMed 27038415 (cited by Labcorp Genetics (formerly Invitae), Labcorp); PubMed 26633542 (cited by Labcorp Genetics (formerly Invitae), Labcorp).

NM_176787.5(PIGN):c.2125C>T (p.Arg709Ter)

Gene: PIGN (phosphatidylinositol glycan anchor biosynthesis class N; minus strand). Cytogenetic location: 18q21.33.
Variant type: single nucleotide variant.
Coding change: c.2125C>T on transcript NM_176787.5 (MANE Select); coding-DNA position 2125, C replaced by T.
Protein change: p.Arg709Ter; replaces arginine 709 with a stop codon.
Molecular consequence: nonsense.
Genome position (GRCh38, 1-based): chr18:62,095,903, G>A on the plus strand (C>T on the coding strand, the complement: PIGN is on the minus strand). VCF-style: chr18-62095903-G-A. GRCh37 (hg19) VCF-style: chr18-59763136-G-A.
Other names: c.2125C>T, p.Arg709Ter (NM_012327.6); short protein forms R709*.
Identifiers: ClinVar variation 3583386 (VCV003583386.3).